The following is an entry in ClinVar:

NM_025114.4(CEP290):c.2396A>G (p.Lys799Arg)

Gene: CEP290 (centrosomal protein 290; minus strand). Cytogenetic location: 12q21.32.
Variant type: single nucleotide variant.
Coding change: c.2396A>G on transcript NM_025114.4 (MANE Select); coding-DNA position 2396, A replaced by G.
Protein change: p.Lys799Arg; replaces lysine 799 with arginine.
Molecular consequence: missense variant.
Genome position (GRCh38, 1-based): chr12:88,109,153, T>C on the plus strand (A>G on the coding strand, the complement: CEP290 is on the minus strand). VCF-style: chr12-88109153-T-C. GRCh37 (hg19) VCF-style: chr12-88502930-T-C.
Other names: short protein forms K799R.
Identifiers: ClinVar variation 2619284 (VCV002619284.3), dbSNP rs2500683852, ClinGen allele CA385973274.

ClinVar aggregate classification (germline): Uncertain significance. Review status: criteria provided, single submitter (1 of 4 stars). 2 submissions from 2 submitters: Uncertain significance (1). 1 of the submissions does not count toward it. Last evaluated 2023-08-15.

Conditions:
Inborn genetic diseases. Identifiers: MedGen C0950123, MeSH D030342.
CEP290-related disorder. Also called: CEP290-related condition; CEP290-related disorders. Identifiers: MedGen CN239314.

Submissions (2):

Ambry Genetics
Classification: Uncertain significance for Inborn genetic diseases. Last evaluated: 2023-08-15. Review status: criteria provided, single submitter. Criteria: Ambry Variant Classification Scheme 2023. Collection method: clinical testing. Allele origin: germline.

PreventionGenetics, part of Exact Sciences
Classification: Uncertain significance for CEP290-related condition. Last evaluated: 2024-02-08. Review status: no assertion criteria provided. Collection method: clinical testing. Allele origin: germline. Not counted in ClinVar's aggregate classification.
Comment: The CEP290 c.2396A>G variant is predicted to result in the amino acid substitution p.Lys799Arg. To our knowledge, this variant has not been reported in the literature or in a large population database, indicating this variant is rare. At this time, the clinical significance of this variant is uncertain due to the absence of conclusive functional and genetic evidence.